The following is an entry in ClinVar:

ClinVar aggregate classification (germline): Likely pathogenic. Review status: reviewed by expert panel (3 of 4 stars). 2 submissions from 2 submitters: Likely pathogenic (1). 1 of the submissions does not count toward it. Last evaluated 2023-09-07.

Conditions:
Glanzmann thrombasthenia 1 (GT1). Also called: BLEEDING DISORDER, PLATELET-TYPE, 2; GP IIb-IIIa COMPLEX DEFICIENCY; GLYCOPROTEIN COMPLEX IIb-IIIa DEFICIENCY; PLATELET FIBRINOGEN RECEPTOR DEFICIENCY. Identifiers: MedGen CN300358, MONDO:0031332, OMIM 273800.
Glanzmann thrombasthenia. Also called: THROMBASTHENIA OF GLANZMANN AND NAEGELI; Thrombasthenia; PLATELET GLYCOPROTEIN IIb-IIIa DEFICIENCY; Glanzmann's thrombasthenia. Identifiers: Orphanet 849, MedGen C0040015, MONDO:0100326.

Submissions (2):

ClinGen Platelet Disorders Variant Curation Expert Panel, ClinGen
Classification: Likely pathogenic for Glanzmann thrombasthenia. Last evaluated: 2023-09-07. Review status: reviewed by expert panel. Criteria: ClinGen Platelet ACMG Specifications v2-1. Collection method: curation. Allele origin: germline. Inheritance: Autosomal recessive inheritance.
Comment: The NM_000419.5 (ITGA2B):c.1346G>A variant that results in the Gly449Asp amino acid change is reported in one homozygous Glanzmann thrombasthenia patient in the literature (PMID: 7508443; PM3_supporting). The patient had a severe bleeding phenotype, abnormal aggregometry and absent surface expression of GPIIb (PP4_moderate). It is absent in population databases, including gnomADv2.1.1 (PM2_supporting), and is predicted damaging by in-silico tools (REVEL score 0.895; PP3). Experimental evidence shows the variant results in lack of surface expression of the alphaIIb-beta3 complex (PMID: 7508443; PS3_moderate). In summary, based on the available evidence at this time, the Gly449Asp variant is classified as likely pathogenic for autosomal recessive Glanzmann thrombasthenia. GT-specific criteria applied: PM2_Supporting, PP3, PP4_Moderate, PS3_Moderate and PM3_Supporting.

OMIM
Classification: Pathogenic for GLANZMANN THROMBASTHENIA 1. Last evaluated: 2021-04-13. Review status: no assertion criteria provided. Collection method: literature only. Allele origin: germline. Not counted in ClinVar's aggregate classification.

Literature cited by the submitters: PubMed 7508443 (cited by ClinGen Platelet Disorders Variant Curation Expert Panel, ClinGen and OMIM).

NM_000419.5(ITGA2B):c.1346G>A (p.Gly449Asp)

Gene: ITGA2B (integrin subunit alpha 2b; minus strand). Cytogenetic location: 17q21.31.
Variant type: single nucleotide variant.
Coding change: c.1346G>A on transcript NM_000419.5 (MANE Select); coding-DNA position 1346, G replaced by A.
Protein change: p.Gly449Asp; replaces glycine 449 with aspartic acid.
Molecular consequence: missense variant.
Genome position (GRCh38, 1-based): chr17:44,380,926, C>T on the plus strand (G>A on the coding strand, the complement: ITGA2B is on the minus strand). VCF-style: chr17-44380926-C-T. GRCh37 (hg19) VCF-style: chr17-42458294-C-T.
Other names: G418D; short protein forms G449D.
Identifiers: ClinVar variation 691627 (VCV000691627.8), dbSNP rs1598380253, ClinGen allele CA399803552.
Genomic context (GRCh38, chr17:44,380,926, plus strand): 5'-CAGTCCAGGGCACCTGGGTATCCGTTGTCATCGATGTCTACGGCACCTCGAAGGGAGAAG[C>T]CAAAGGCAGAGCCTGTGGGGAAGGGGCTGTCCAGGACCTGGGAGGGACGTGACCTCAGCC-3'
Protein context (NP_000410.2, residues 439-459): DSPFPTGSAF[Gly449Asp]FSLRGAVDID